The following is an entry in ClinVar:

ClinVar aggregate classification (germline): Uncertain significance. Review status: criteria provided, multiple submitters, no conflicts (2 of 4 stars). 3 submissions from 3 submitters: Uncertain significance (3). Last evaluated 2024-03-06.

Conditions:
Cardiomyopathy (CMYO). Also called: Cardiomyopathies. Identifiers: Orphanet 167848, MedGen C0878544, MONDO:0004994, HP:0001638. Inheritance: Various modes of inheritance.
Cardiovascular phenotype. Identifiers: MedGen CN230736.
Catecholaminergic polymorphic ventricular tachycardia 1. Also called: VENTRICULAR TACHYCARDIA, CATECHOLAMINERGIC POLYMORPHIC, 1, WITH OR WITHOUT ATRIAL DYSFUNCTION AND/OR DILATED CARDIOMYOPATHY; VENTRICULAR TACHYCARDIA, STRESS-INDUCED POLYMORPHIC 1; RYR2-Related Catecholaminergic Polymorphic Ventricular Tachycardia. Identifiers: Orphanet 3286, MedGen C1631597, MONDO:0011484, OMIM 604772.

Allele frequency attached by ClinVar (database versions not stated): gnomAD exomes below 0.00001.
gnomAD v4.1: 2 of 1,613,950 alleles (0.00012%); highest among the groups gnomAD compares: Non-Finnish European, 0.00017%; no homozygotes.

Submissions (3):

Color Diagnostics, LLC DBA Color Health
Classification: Uncertain significance for Cardiomyopathy. Last evaluated: 2024-03-06. Review status: criteria provided, single submitter. Criteria: ACMG Guidelines, 2015. Collection method: clinical testing. Allele origin: germline.
Comment: This missense variant replaces histidine with leucine at codon 1451 of the RYR2 protein. Computational prediction suggests that this variant may not impact protein structure and function (internally defined REVEL score threshold <= 0.5, PMID: 27666373). To our knowledge, functional studies have not been reported for this variant. This variant has not been reported in individuals affected with cardiovascular disorders in the literature. This variant has not been identified in the general population by the Genome Aggregation Database (gnomAD). The available evidence is insufficient to determine the role of this variant in disease conclusively. Therefore, this variant is classified as a Variant of Uncertain Significance.

Ambry Genetics
Classification: Uncertain significance for Cardiovascular phenotype. Last evaluated: 2023-06-13. Review status: criteria provided, single submitter. Criteria: Ambry Variant Classification Scheme 2023. Collection method: clinical testing. Allele origin: germline.
Comment: The p.H1451L variant (also known as c.4352A>T), located in coding exon 33 of the RYR2 gene, results from an A to T substitution at nucleotide position 4352. The histidine at codon 1451 is replaced by leucine, an amino acid with similar properties. This amino acid position is highly conserved in available vertebrate species. In addition, the in silico prediction for this alteration is inconclusive. Since supporting evidence is limited at this time, the clinical significance of this alteration remains unclear.

Labcorp Genetics (formerly Invitae), Labcorp
Classification: Uncertain significance for Catecholaminergic polymorphic ventricular tachycardia 1. Last evaluated: 2019-11-25. Review status: criteria provided, single submitter. Criteria: Invitae Variant Classification Sherloc (09022015). Collection method: clinical testing. Allele origin: germline.
Comment: In summary, the available evidence is currently insufficient to determine the role of this variant in disease. Therefore, it has been classified as a Variant of Uncertain Significance. Algorithms developed to predict the effect of missense changes on protein structure and function (SIFT, PolyPhen-2, Align-GVGD) all suggest that this variant is likely to be disruptive, but these predictions have not been confirmed by published functional studies and their clinical significance is uncertain. This variant has not been reported in the literature in individuals with RYR2-related conditions. This variant is not present in population databases (ExAC no frequency). This sequence change replaces histidine with leucine at codon 1451 of the RYR2 protein (p.His1451Leu). The histidine residue is highly conserved and there is a moderate physicochemical difference between histidine and leucine.

NM_001035.3(RYR2):c.4352A>T (p.His1451Leu)

Gene: RYR2 (ryanodine receptor 2; plus strand). Cytogenetic location: 1q43.
Variant type: single nucleotide variant.
Coding change: c.4352A>T on transcript NM_001035.3 (MANE Select); coding-DNA position 4352, A replaced by T.
Protein change: p.His1451Leu; replaces histidine 1451 with leucine.
Molecular consequence: missense variant.
Genome position (GRCh38, 1-based): chr1:237,593,552, A>T. VCF-style: chr1-237593552-A-T. GRCh37 (hg19) VCF-style: chr1-237756852-A-T.
Other names: short protein forms H1451L.
Identifiers: ClinVar variation 859892 (VCV000859892.16), dbSNP rs1675471793, ClinGen allele CA345399842.
Genomic context (GRCh38, chr1:237,593,552, plus strand): 5'-GAATCTTTCCTGGACAAGAACCTGCTAATGTCTGGGTGGGCTGGATTACATCAGATTTCC[A>T]TCAGTATGACACAGGCTTTGACTTGGACAGAGTTCGCACAGTAACAGTTACTCTAGGAGA-3'
Protein context (NP_001026.2, residues 1441-1461): VWVGWITSDF[His1451Leu]QYDTGFDLDR